The following is an entry in ClinVar:

ClinVar aggregate classification (germline): Benign/Likely benign. Review status: criteria provided, multiple submitters, no conflicts (2 of 4 stars). 4 submissions from 4 submitters: Benign (2); Likely benign (2). Last evaluated 2026-02-04.

Conditions:
Spermatogenic failure 18. Identifiers: MedGen C4539783, MONDO:0054615, OMIM 617576.
Ciliary dyskinesia, primary, 37 (CILD37). Also called: CILIARY DYSKINESIA, PRIMARY, 37, WITH OR WITHOUT SITUS INVERSUS. Identifiers: MedGen C4539798, MONDO:0033204, OMIM 617577.

Allele frequency attached by ClinVar (database versions not stated): gnomAD 0.03447 and 0.03409; 1000 Genomes Project 30x 0.02701; ESP Exome Variant Server 0.03565; 1000 Genomes Project 0.02756; gnomAD exomes 0.04318 and 0.03602; ExAC 0.05132; TOPMed 0.03554.
gnomAD v4.1: 67,981 of 1,603,018 alleles (4.2%); highest among the groups gnomAD compares: Non-Finnish European, 4.8%; 1,653 homozygotes.

Submissions (4):

Labcorp Genetics (formerly Invitae), Labcorp
Classification: Benign for Ciliary dyskinesia, primary, 37; Spermatogenic failure 18. Last evaluated: 2026-02-04. Review status: criteria provided, single submitter. Criteria: Invitae Variant Classification Sherloc (09022015). Collection method: clinical testing. Allele origin: germline.

Mayo Clinic Laboratories, Mayo Clinic
Classification: Benign. Last evaluated: 2023-04-25. Review status: criteria provided, single submitter. Criteria: ACMG Guidelines, 2015. Collection method: clinical testing. Allele origin: germline. Observed: 14 variant alleles.
Comment: BA1, BP4

GeneDx
Classification: Likely benign. Last evaluated: 2018-07-09. Review status: criteria provided, single submitter. Criteria: GeneDx Variant Classification Process June 2021. Collection method: clinical testing. Allele origin: germline. Affected: yes.

Breakthrough Genomics
Classification: Likely benign. Review status: criteria provided, single submitter. Criteria: ACMG Guidelines, 2015. Collection method: not provided. Allele origin: germline. Inheritance: Autosomal recessive inheritance. Affected: yes.

NM_015512.5(DNAH1):c.3853C>T (p.Arg1285Trp)

Gene: DNAH1 (dynein axonemal heavy chain 1; plus strand). Cytogenetic location: 3p21.1.
Variant type: single nucleotide variant.
Coding change: c.3853C>T on transcript NM_015512.5 (MANE Select); coding-DNA position 3853, C replaced by T.
Protein change: p.Arg1285Trp; replaces arginine 1285 with tryptophan.
Molecular consequence: missense variant.
Genome position (GRCh38, 1-based): chr3:52,356,773, C>T. VCF-style: chr3-52356773-C-T. GRCh37 (hg19) VCF-style: chr3-52390789-C-T.
Other names: p.Arg1285Trp; short protein forms R1285W.
Identifiers: ClinVar variation 1165218 (VCV001165218.12), dbSNP rs61734640, ClinGen allele CA2433711.
Genomic context (GRCh38, chr3:52,356,773, plus strand): 5'-AAGCGCTACCAGACCATGGAGCGGATCTGGAAGAAGATCATGAAGAATGCCTACGAGAAC[C>T]GGGAGGCAAGCTCAATGAGGGTGGGAGGGGCAGCTGGGATCCCCAAGGGCCCTGGTCACA-3'
Protein context (NP_056327.4, residues 1275-1295): KKIMKNAYEN[Arg1285Trp]EVINVCSDLR